The following is an entry in ClinVar:

NM_001142633.3(PIK3R5):c.470G>A (p.Arg157His)

Gene: PIK3R5 (phosphoinositide-3-kinase regulatory subunit 5; minus strand). Cytogenetic location: 17p13.1.
Variant type: single nucleotide variant.
Coding change: c.470G>A on transcript NM_001142633.3 (MANE Select); coding-DNA position 470, G replaced by A.
Protein change: p.Arg157His; replaces arginine 157 with histidine.
Molecular consequence: missense variant. On other transcripts: 5 prime UTR variant (8).
Genome position (GRCh38, 1-based): chr17:8,893,598, C>T on the plus strand (G>A on the coding strand, the complement: PIK3R5 is on the minus strand). VCF-style: chr17-8893598-C-T. GRCh37 (hg19) VCF-style: chr17-8796915-C-T.
Other names: c.-751G>A (NM_001251851.2); c.-689G>A (NM_001251852.2, NM_001388399.1); c.-535G>A (NM_001251853.2, NM_001388400.1); c.-514G>A (NM_001251855.2); c.470G>A, p.Arg157His (NM_001388396.1, NM_014308.4); c.-687G>A (NM_001388397.1); c.-766G>A (NM_001388398.1); c.470G>A (NM_001142633.1); short protein forms R157H.
Identifiers: ClinVar variation 1032660 (VCV001032660.2), dbSNP rs144891748, ClinGen allele CA8380799.
Genomic context (GRCh38, chr17:8,893,598, plus strand): 5'-GTCCCAAACTCCCTCCCCACTGTTTCTCCGTCCCCCAAGAGCACTCACACGGTGGAGCTG[C>T]GGTGACTCCTGATGGGCAGGCCCTGCTCAGCCCTCACCAGTCTCTGGTAGGAGATCCCTG-3'
Protein context (NP_001136105.1, residues 147-167): AEQGLPIRSH[Arg157His]SSTVTVLLLN

ClinVar aggregate classification (germline): Uncertain significance. Review status: criteria provided, multiple submitters, no conflicts (2 of 4 stars). 2 submissions from 2 submitters: Uncertain significance (2). Last evaluated 2025-08-06.

Conditions:
Ataxia with oculomotor apraxia type 3. Also called: Ataxia-oculomotor apraxia 3. Identifiers: Orphanet 64753, MedGen C3554690, MONDO:0014084, OMIM 615217.

Allele frequency attached by ClinVar (database versions not stated): ExAC 0.00038; gnomAD exomes 0.00052 and 0.00086; TOPMed 0.00053; gnomAD 0.00068 and 0.00071; ESP Exome Variant Server 0.00069.

Submissions (2):

Ambry Genetics
Classification: Uncertain significance. Last evaluated: 2025-08-06. Review status: criteria provided, single submitter. Criteria: Ambry Variant Classification Scheme 2023. Collection method: clinical testing. Allele origin: germline.

Baylor Genetics
Classification: Uncertain significance for Ataxia with oculomotor apraxia type 3. Last evaluated: 2018-07-18. Review status: criteria provided, single submitter. Criteria: ACMG Guidelines, 2015. Collection method: clinical testing. Allele origin: unknown. Affected: yes.
Comment: This variant was determined to be of uncertain significance according to ACMG Guidelines, 2015 [PMID:25741868].